The following is an entry in ClinVar:

NM_020919.4(ALS2):c.848T>G (p.Leu283Arg)

Gene: ALS2 (alsin Rho guanine nucleotide exchange factor ALS2; minus strand). Cytogenetic location: 2q33.1.
Variant type: single nucleotide variant.
Coding change: c.848T>G on transcript NM_020919.4 (MANE Select); coding-DNA position 848, T replaced by G.
Protein change: p.Leu283Arg; replaces leucine 283 with arginine.
Molecular consequence: missense variant.
Genome position (GRCh38, 1-based): chr2:201,761,146, A>C on the plus strand (T>G on the coding strand, the complement: ALS2 is on the minus strand). VCF-style: chr2-201761146-A-C. GRCh37 (hg19) VCF-style: chr2-202625869-A-C.
Other names: c.848T>G, p.Leu283Arg (NM_001135745.2, NM_001410975.1); short protein forms L283R.
Identifiers: ClinVar variation 2693479 (VCV002693479.3), dbSNP rs2469914801, ClinGen allele CA350327965.

ClinVar aggregate classification (germline): Uncertain significance (1 of 4 stars; one submission).

Conditions:
Infantile-onset ascending hereditary spastic paralysis (IAHSP). Also called: Infantile-Onset Ascending Hereditary Spastic Paralysis (IAHSP); Autosomal Recessive Juvenile Amyotrophic Lateral Sclerosis. Identifiers: Orphanet 293168, MedGen C2931441, MONDO:0011797, OMIM 607225. Disease mechanism: loss of function.

Submission:

Labcorp Genetics (formerly Invitae), Labcorp
Classification: Uncertain significance for Infantile-onset ascending hereditary spastic paralysis. Last evaluated: 2023-11-05. Review status: criteria provided, single submitter. Criteria: Invitae Variant Classification Sherloc (09022015). Collection method: clinical testing. Allele origin: germline.
Comment: This sequence change replaces leucine, which is neutral and non-polar, with arginine, which is basic and polar, at codon 283 of the ALS2 protein (p.Leu283Arg). This variant is not present in population databases (gnomAD no frequency). This variant has not been reported in the literature in individuals affected with ALS2-related conditions. Algorithms developed to predict the effect of missense changes on protein structure and function output the following: SIFT: "Not Available"; PolyPhen-2: "Benign"; Align-GVGD: "Not Available". The arginine amino acid residue is found in multiple mammalian species, which suggests that this missense change does not adversely affect protein function. In summary, the available evidence is currently insufficient to determine the role of this variant in disease. Therefore, it has been classified as a Variant of Uncertain Significance.